The following is an entry in ClinVar:

ClinVar aggregate classification (germline): Benign (1 of 4 stars; one submission).

Allele frequency attached by ClinVar (database versions not stated): gnomAD 0.37864 and 0.37923; TOPMed 0.38981; 1000 Genomes Project 0.45108; 1000 Genomes Project 30x 0.45222.
gnomAD v4.1: 57,253 of 151,256 alleles (38%); highest among the groups gnomAD compares: African/African-American, 59%; 12,278 homozygotes.

Submission:

GeneDx
Classification: Benign. Last evaluated: 2019-01-09. Review status: criteria provided, single submitter. Criteria: GeneDx Variant Classification Process June 2021. Collection method: clinical testing. Allele origin: germline. Affected: yes.
Comment: This variant is associated with the following publications: (PMID: 29695719)

NM_012081.6(ELL2):c.196-10307C>T

Gene: ELL2 (elongation factor for RNA polymerase II 2; minus strand). Cytogenetic location: 5q15.
Variant type: single nucleotide variant.
Coding change: c.196-10307C>T on transcript NM_012081.6 (MANE Select); 10307 bases into the intron before coding-DNA position 196, C replaced by T.
Molecular consequence: intron variant.
Genome position (GRCh38, 1-based): chr5:95,929,852, G>A on the plus strand (C>T on the coding strand, the complement: ELL2 is on the minus strand). VCF-style: chr5-95929852-G-A. GRCh37 (hg19) VCF-style: chr5-95265556-G-A.
Identifiers: ClinVar variation 1289561 (VCV001289561.2), dbSNP rs4563648, ClinGen allele CA15384810.
Genomic context (GRCh38, chr5:95,929,852, plus strand): 5'-AAACAACAAAAAACAAAAAAACCCCCACACAGCTGCCTGCTGTGTGGTACAAATGTCAGG[G>A]TGAGAAAGTTTCTAACCTCTCTTATGCTATGTTTAGCCCCAAAGCCTAGGCCAAGTGGCT-3'